The following is an entry in ClinVar:

NM_003482.4(KMT2D):c.15013del (p.Asp5005fs)

Gene: KMT2D (lysine methyltransferase 2D; minus strand). Cytogenetic location: 12q13.12.
Variant type: Deletion.
Coding change: c.15013del on transcript NM_003482.4 (MANE Select); coding-DNA position 15013, one base deleted (G; older notation c.15013delG).
Protein change: p.Asp5005fs; shifts the reading frame from aspartic acid 5005.
Molecular consequence: frameshift variant.
Genome position (GRCh38, 1-based): chr12:49,026,953, C deleted on the plus strand (G on the coding strand, the reverse complement: KMT2D is on the minus strand); the first of 2 consecutive C bases (chr12:49,026,953-49,026,954); deleting either gives the same sequence. VCF-style (leftmost placement, unchanged base first): chr12-49026952-TC-T. GRCh37 (hg19) VCF-style: chr12-49420735-TC-T.
Other names: short protein forms D5005fs.
Identifiers: ClinVar variation 954072 (VCV000954072.3), dbSNP rs1942625813, ClinGen allele CA1139662649.

ClinVar aggregate classification (germline): Pathogenic (1 of 4 stars; one submission).

Conditions:
Kabuki syndrome. Also called: NIIKAWA-KUROKI SYNDROME; Kabuki make-up syndrome. Identifiers: Orphanet 2322, MedGen C0796004, MONDO:0016512.

Submission:

Labcorp Genetics (formerly Invitae), Labcorp
Classification: Pathogenic for Kabuki syndrome. Last evaluated: 2019-09-08. Review status: criteria provided, single submitter. Criteria: Invitae Variant Classification Sherloc (09022015). Collection method: clinical testing. Allele origin: germline.
Comment: This sequence change creates a premature translational stop signal (p.Asp5005Metfs*46) in the KMT2D gene. It is expected to result in an absent or disrupted protein product. This variant is not present in population databases (ExAC no frequency). This variant has not been reported in the literature in individuals with KMT2D-related conditions. Loss-of-function variants in KMT2D are known to be pathogenic (PMID: 22126750). For these reasons, this variant has been classified as Pathogenic.

Literature cited by the submitters: PubMed 22126750.